The following is an entry in ClinVar:

ClinVar aggregate classification (germline): Conflicting classifications of pathogenicity. Review status: criteria provided, conflicting classifications (1 of 4 stars). 14 submissions from 11 submitters: Uncertain significance (3); Benign (3); Likely benign (5). 3 of the submissions do not count toward it. Last evaluated 2025-12-22.

Conditions:
Osteoglophonic dysplasia (OGD). Also called: Osteoglophonic dwarfism. Identifiers: Orphanet 2645, MedGen C0432283, MONDO:0008150, OMIM 166250.
Hypogonadotropic hypogonadism 2 with or without anosmia (HH2). Also called: HYPOGONADOTROPIC HYPOGONADISM 2 WITHOUT ANOSMIA; HYPOGONADOTROPIC HYPOGONADISM 2 WITH OR WITHOUT ANOSMIA, SUSCEPTIBILITY TO; HYPOGONADOTROPIC HYPOGONADISM 2 WITHOUT ANOSMIA, SUSCEPTIBILITY TO; FGFR1-Related GnRH Deficiency (Kallmann Syndrome 2). Identifiers: Orphanet 478, MedGen C1563720, MONDO:0007844, OMIM 147950. Disease mechanism: loss of function.
Pfeiffer syndrome (ACS5). Also called: ACS V. Identifiers: Orphanet 710, MedGen C0220658, MONDO:0007043, OMIM 101600.
Craniosynostosis, nonspecific.
Trigonocephaly 1 (TRIGNO1). Identifiers: Orphanet 3366, MedGen C0432122, MONDO:0008603, OMIM 190440.
Hartsfield-Bixler-Demyer syndrome (HRTFDS). Also called: Holoprosencephaly, ectrodactyly, and bilateral cleft lip/palate; Hartsfield syndrome; FGFR1-Related Hartsfield Syndrome. Identifiers: Orphanet 2117, MedGen C1845146, MONDO:0014196, OMIM 615465. Disease mechanism: loss of function.
Encephalocraniocutaneous lipomatosis (ECCL). Identifiers: Orphanet 2396, MedGen C0406612, MONDO:0013074, OMIM 613001.
Jackson-Weiss syndrome (JWS). Also called: CRANIOSYNOSTOSIS, MIDFACIAL HYPOPLASIA, AND FOOT ABNORMALITIES. Identifiers: Orphanet 1540, MedGen C0795998, MONDO:0007400, OMIM 123150. Disease mechanism: loss of function.
Craniosynostosis syndrome. Also called: Craniosynostosis. Identifiers: Orphanet 1531, MedGen C0010278, MeSH D003398, MONDO:0015469, HP:0001363.

Allele frequency attached by ClinVar (database versions not stated): ExAC 0.00039; ESP Exome Variant Server 0.00040; gnomAD exomes 0.00042 and 0.00059; gnomAD 0.00044 and 0.00047; TOPMed 0.00056.
gnomAD v4.1: 905 of 1,614,218 alleles (0.056%); highest among the groups gnomAD compares: Non-Finnish European, 0.072%; no homozygotes.

Submissions (15):

Labcorp Genetics (formerly Invitae), Labcorp
Classification: Likely benign for Pfeiffer syndrome; Hypogonadotropic hypogonadism 2 with or without anosmia. Last evaluated: 2025-12-22. Review status: criteria provided, single submitter. Criteria: Invitae Variant Classification Sherloc (09022015). Collection method: clinical testing. Allele origin: germline.

Blueprint Genetics
Classification: Likely benign. Last evaluated: 2024-11-22. Review status: criteria provided, single submitter. Criteria: ACMG Guidelines, 2015. Collection method: clinical testing. Allele origin: germline.

Reproductive Endocrine Unit, Massachusetts General Hospital
Classification: Uncertain significance for Hypogonadotropic hypogonadism 2 with or without anosmia. Last evaluated: 2023-05-04. Review status: criteria provided, single submitter. Criteria: ACMG Guidelines, 2015. Collection method: research. Allele origin: unknown, inherited. Affected: yes. Observed: 2 variant alleles.
Comment: The variant has been classified as VUS based on the variant meeting the following ACMG Criteria: PP1,PP2,BP4,BP4.

Institute for Clinical Genetics, University Hospital TU Dresden, University Hospital TU Dresden
Classification: Uncertain significance. Last evaluated: 2021-11-03. Review status: criteria provided, single submitter. Criteria: ACMG Guidelines, 2015. Collection method: clinical testing. Allele origin: germline.

GeneDx
Classification: Likely benign. Last evaluated: 2021-03-17. Review status: criteria provided, single submitter. Criteria: GeneDx Variant Classification Process June 2021. Collection method: clinical testing. Allele origin: germline. Affected: yes.
Comment: This variant is associated with the following publications: (PMID: 29419413, 25077900)

Department of Pathology and Laboratory Medicine, Sinai Health System
Classification: Uncertain significance for Pfeiffer syndrome; Jackson-Weiss syndrome; Hypogonadotropic hypogonadism 2 with or without anosmia; Osteoglophonic dysplasia; Trigonocephaly 1; Encephalocraniocutaneous lipomatosis; Hartsfield-Bixler-Demyer syndrome. Last evaluated: 2020-07-03. Review status: criteria provided, single submitter. Criteria: ACMG Guidelines, 2015. Collection method: research. Allele origin: germline.

Illumina Laboratory Services, Illumina
Classification: Benign for Trigonocephaly 1. Last evaluated: 2018-01-13. Review status: criteria provided, single submitter. Criteria: ICSL Variant Classification Criteria 13 December 2019. Collection method: clinical testing. Allele origin: germline.
Comment: This variant was observed in the ICSL laboratory as part of a predisposition screen in an ostensibly healthy population. It had not been previously curated by ICSL or reported in the Human Gene Mutation Database (HGMD: prior to June 1st, 2018), and was therefore a candidate for classification through an automated scoring system. Utilizing variant allele frequency, disease prevalence and penetrance estimates, and inheritance mode, an automated score was calculated to assess if this variant is too frequent to cause the disease. Based on the score and internal cut-off values, a variant classified as benign is not then subjected to further curation. The score for this variant resulted in a classification of benign for this disease.

Illumina Laboratory Services, Illumina
Classification: Benign for Osteoglophonic dysplasia. Last evaluated: 2018-01-13. Review status: criteria provided, single submitter. Criteria: ICSL Variant Classification Criteria 13 December 2019. Collection method: clinical testing. Allele origin: germline.
Comment: the same text as in the submission from Illumina Laboratory Services, Illumina above.

Illumina Laboratory Services, Illumina
Classification: Benign for Craniosynostosis. Last evaluated: 2018-01-13. Review status: criteria provided, single submitter. Criteria: ICSL Variant Classification Criteria 13 December 2019. Collection method: clinical testing. Allele origin: germline.
Comment: the same text as in the submission from Illumina Laboratory Services, Illumina above.

Illumina Laboratory Services, Illumina
Classification: Likely benign for Hypogonadotropic hypogonadism 2 with or without anosmia. Last evaluated: 2018-01-13. Review status: criteria provided, single submitter. Criteria: ICSL Variant Classification Criteria 13 December 2019. Collection method: clinical testing. Allele origin: germline.
Comment: This variant was observed in the ICSL laboratory as part of a predisposition screen in an ostensibly healthy population. It had not been previously curated by ICSL or reported in the Human Gene Mutation Database (HGMD: prior to June 1st, 2018), and was therefore a candidate for classification through an automated scoring system. Utilizing variant allele frequency, disease prevalence and penetrance estimates, and inheritance mode, an automated score was calculated to assess if this variant is too frequent to cause the disease. Based on the score and internal cut-off values, a variant classified as likely benign is not then subjected to further curation. The score for this variant resulted in a classification of likely benign for this disease.

Genomic Diagnostic Laboratory, Division of Genomic Diagnostics, Children's Hospital of Philadelphia
Classification: Likely benign for Craniosynostosis, nonspecific. Last evaluated: 2016-11-03. Review status: criteria provided, single submitter. Criteria: DGD Variant Analysis Guidelines. Collection method: clinical testing. Allele origin: germline. Affected: yes. Observed: 1 variant allele.
Comment: Clinical Testing

Clinical Genetics DNA and cytogenetics Diagnostics Lab, Erasmus MC, Erasmus Medical Center
Classification: Likely benign. Review status: no assertion criteria provided. Collection method: clinical testing. Allele origin: germline. Affected: yes. Study: VKGL Data-share Consensus. Not counted in ClinVar's aggregate classification.

Diagnostic Laboratory, Department of Genetics, University Medical Center Groningen
Classification: Likely benign. Review status: no assertion criteria provided. Collection method: clinical testing. Allele origin: germline. Affected: yes. Study: VKGL Data-share Consensus. Not counted in ClinVar's aggregate classification.

Dr. Peter K. Rogan Lab, Western University
No classification provided (evidence only). Condition: Nonpapillary renal cell carcinoma. Review status: no classification provided. Collection method: in vitro. Allele origin: not applicable. Functional consequence: retained intron. Not counted in ClinVar's aggregate classification.

Joint Genome Diagnostic Labs from Nijmegen and Maastricht, Radboudumc and MUMC+
Classification: Likely benign. Review status: no assertion criteria provided. Collection method: clinical testing. Allele origin: germline. Affected: yes. Study: VKGL Data-share Consensus. Not counted in ClinVar's aggregate classification.

NM_023110.3(FGFR1):c.1368G>T (p.Met456Ile)

Gene: FGFR1 (fibroblast growth factor receptor 1; minus strand). Cytogenetic location: 8p11.23.
Variant type: single nucleotide variant.
Coding change: c.1368G>T on transcript NM_023110.3 (MANE Select); coding-DNA position 1368, G replaced by T.
Protein change: p.Met456Ile; replaces methionine 456 with isoleucine.
Molecular consequence: missense variant.
Genome position (GRCh38, 1-based): chr8:38,418,290, C>A on the plus strand (G>T on the coding strand, the complement: FGFR1 is on the minus strand). VCF-style: chr8-38418290-C-A. GRCh37 (hg19) VCF-style: chr8-38275808-C-A.
Other names: c.1338G>T (NM_001174064.1); c.1362G>T, p.Met454Ile (NM_001174063.2, NM_001174065.2, NM_001354367.2 and 1 more transcripts); c.1338G>T, p.Met446Ile (NM_001174064.2); c.1101G>T, p.Met367Ile (NM_001174066.2, NM_023105.3); c.1461G>T, p.Met487Ile (NM_001174067.2); c.1089G>T, p.Met363Ile (NM_001354368.2); c.1356G>T, p.Met452Ile (NM_001354369.2); c.1095G>T, p.Met365Ile (NM_001354370.2, NM_023106.3); short protein forms M456I, M452I, M454I, M446I, M487I, M363I, M365I, M367I.
Identifiers: ClinVar variation 362896 (VCV000362896.30), dbSNP rs200776757, ClinGen allele CA4718401.